The following is an entry in ClinVar:

NM_017841.4(SDHAF2):c.277C>G (p.His93Asp)

Gene: SDHAF2 (succinate dehydrogenase complex assembly factor 2; plus strand). Cytogenetic location: 11q12.2.
Variant type: single nucleotide variant.
Coding change: c.277C>G on transcript NM_017841.4 (MANE Select); coding-DNA position 277, C replaced by G.
Protein change: p.His93Asp; replaces histidine 93 with aspartic acid.
Molecular consequence: missense variant.
Genome position (GRCh38, 1-based): chr11:61,438,020, C>G. VCF-style: chr11-61438020-C-G. GRCh37 (hg19) VCF-style: chr11-61205492-C-G.
Other names: short protein forms H93D.
Identifiers: ClinVar variation 821796 (VCV000821796.7), dbSNP rs1590765063, ClinGen allele CA380684045.
Genomic context (GRCh38, chr11:61,438,020, plus strand): 5'-CAGCCTTCTCAACCTCTTTTTCTTTTTTTCTTTCTTGTTTTTAGTCTTTTTGCTAAAGAA[C>G]ATCTGCAGCACATGACAGAAAAGCAGCTGAACCTCTATGACCGCCTGATTAACGAGCCTA-3'
Protein context (NP_060311.1, residues 83-103): CILLSLFAKE[His93Asp]LQHMTEKQLN

ClinVar aggregate classification (germline): Uncertain significance. Review status: criteria provided, multiple submitters, no conflicts (2 of 4 stars). 3 submissions from 3 submitters: Uncertain significance (3). Last evaluated 2024-02-27.

Conditions:
Hereditary cancer-predisposing syndrome. Also called: Hereditary Cancer Syndrome; Tumor predisposition; Neoplastic Syndromes, Hereditary; Hereditary neoplastic syndrome. Identifiers: Orphanet 140162, MedGen C0027672, MeSH D009386, MONDO:0015356.
Hereditary pheochromocytoma and paraganglioma. Also called: Hereditary pheochromocytoma-paraganglioma; Hereditary paragangliomas and pheochromocytomas; Hereditary Paraganglioma-Pheochromocytoma Syndromes. Identifiers: Orphanet 29072, MedGen C4274332, MONDO:0017366.

Submissions (3):

Labcorp Genetics (formerly Invitae), Labcorp
Classification: Uncertain significance for Hereditary pheochromocytoma and paraganglioma. Last evaluated: 2024-02-27. Review status: criteria provided, single submitter. Criteria: Invitae Variant Classification Sherloc (09022015). Collection method: clinical testing. Allele origin: germline.
Comment: This sequence change replaces histidine, which is basic and polar, with aspartic acid, which is acidic and polar, at codon 93 of the SDHAF2 protein (p.His93Asp). This variant is not present in population databases (gnomAD no frequency). This variant has not been reported in the literature in individuals affected with SDHAF2-related conditions. ClinVar contains an entry for this variant (Variation ID: 821796). An algorithm developed to predict the effect of missense changes on protein structure and function (PolyPhen-2) suggests that this variant is likely to be tolerated. In summary, the available evidence is currently insufficient to determine the role of this variant in disease. Therefore, it has been classified as a Variant of Uncertain Significance.

All of Us Research Program, National Institutes of Health
Classification: Uncertain significance for Hereditary pheochromocytoma and paraganglioma. Last evaluated: 2022-11-28. Review status: criteria provided, single submitter. Criteria: ACMG Guidelines, 2015. Collection method: clinical testing. Allele origin: germline. Inheritance: Autosomal dominant inheritance. Observed: 1 variant allele, 1 heterozygote.
Comment: This study involves interpretation of variants in research participants for the purpose of population health screening. Participant phenotype was not available at the time of variant classification. Additional details can be found in publication PMID: 35346344, PMCID: PMC8962531

Ambry Genetics
Classification: Uncertain significance for Hereditary cancer-predisposing syndrome. Last evaluated: 2019-11-26. Review status: criteria provided, single submitter. Criteria: Ambry Variant Classification Scheme 2023. Collection method: clinical testing. Allele origin: germline.
Comment: The p.H93D variant (also known as c.277C>G), located in coding exon 3 of the SDHAF2 gene, results from a C to G substitution at nucleotide position 277. The histidine at codon 93 is replaced by aspartic acid, an amino acid with similar properties. This amino acid position is poorly conserved in available vertebrate species. In addition, this alteration is predicted to be tolerated by in silico analysis. Since supporting evidence is limited at this time, the clinical significance of this alteration remains unclear.